The following is an entry in ClinVar:

NM_000937.5(POLR2A):c.680G>A (p.Arg227His)

Gene: POLR2A (RNA polymerase II subunit A; plus strand). Cytogenetic location: 17p13.1.
Variant type: single nucleotide variant.
Coding change: c.680G>A on transcript NM_000937.5 (MANE Select); coding-DNA position 680, G replaced by A.
Protein change: p.Arg227His; replaces arginine 227 with histidine.
Molecular consequence: missense variant.
Genome position (GRCh38, 1-based): chr17:7,496,906, G>A. VCF-style: chr17-7496906-G-A. GRCh37 (hg19) VCF-style: chr17-7400225-G-A.
Other names: short protein forms R227H.
Identifiers: ClinVar variation 1705149 (VCV001705149.1), dbSNP rs758175343, ClinGen allele CA8349247.

ClinVar aggregate classification (germline): Uncertain significance (1 of 4 stars; one submission).

Allele frequency attached by ClinVar (database versions not stated): gnomAD exomes below 0.00001; TOPMed below 0.00001; ExAC 0.00001.

Submission:

Women's Health and Genetics/Laboratory Corporation of America, LabCorp
Classification: Uncertain significance. Last evaluated: 2022-08-19. Review status: criteria provided, single submitter. Criteria: LabCorp Variant Classification Summary - May 2015. Collection method: clinical testing. Allele origin: germline.
Comment: Variant summary: POLR2A c.680G>A (p.Arg227His) results in a non-conservative amino acid change in the encoded protein sequence. Three of five in-silico tools predict a benign effect of the variant on protein function. The variant allele was found at a frequency of 8e-06 in 251262 control chromosomes (gnomAD). The available data on variant occurrences in the general population are insufficient to allow any conclusion about variant significance. To our knowledge, no occurrence of c.680G>A in individuals affected with Neurodevelopmental Disorder With Hypotonia And Variable Intellectual And Behavioral Abnormalities and no experimental evidence demonstrating its impact on protein function have been reported. No clinical diagnostic laboratories have submitted clinical-significance assessments for this variant to ClinVar after 2014. Based on the evidence outlined above, the variant was classified as uncertain significance.